The following is an entry in ClinVar:

NC_000006.12:g.32853800G>A

Gene: TAP1 (transporter 1, ATP binding cassette subfamily B member; minus strand). Cytogenetic location: 6p21.32.
Variant type: single nucleotide variant.
Genome position: GRCh38 VCF-style: chr6-32853800-G-A. GRCh37 (hg19) VCF-style: chr6-32821577-G-A.
Identifiers: ClinVar variation 1488262 (VCV001488262.4), dbSNP rs777274470, ClinGen allele CA3747123.

ClinVar aggregate classification (germline): Uncertain significance (1 of 4 stars; one submission).

Conditions:
MHC class I deficiency. Identifiers: Orphanet 34592, MedGen C6024714, MONDO:0011476.

Allele frequency attached by ClinVar (database versions not stated): gnomAD exomes 0.00003 and 0.00009; ExAC 0.00007; gnomAD 0.00016 and 0.00017; TOPMed 0.00016.

Submission:

Labcorp Genetics (formerly Invitae), Labcorp
Classification: Uncertain significance for MHC class I deficiency 1. Last evaluated: 2022-04-17. Review status: criteria provided, single submitter. Criteria: Invitae Variant Classification Sherloc (09022015). Collection method: clinical testing. Allele origin: germline.
Comment: This sequence change replaces alanine, which is neutral and non-polar, with valine, which is neutral and non-polar, at codon 6 of the TAP1 protein (p.Ala6Val). This variant is present in population databases (rs777274470, gnomAD 0.03%). This variant has not been reported in the literature in individuals affected with TAP1-related conditions. Algorithms developed to predict the effect of missense changes on protein structure and function output the following: SIFT: "Tolerated"; PolyPhen-2: "Not Available"; Align-GVGD: "Class C0". The valine amino acid residue is found in multiple mammalian species, which suggests that this missense change does not adversely affect protein function. In summary, the available evidence is currently insufficient to determine the role of this variant in disease. Therefore, it has been classified as a Variant of Uncertain Significance.